The following is an entry in ClinVar:

NM_000455.5(STK11):c.967C>T (p.Pro323Ser)

Gene: STK11 (serine/threonine kinase 11; plus strand). Cytogenetic location: 19p13.3.
Variant type: single nucleotide variant.
Coding change: c.967C>T on transcript NM_000455.5 (MANE Select); coding-DNA position 967, C replaced by T.
Protein change: p.Pro323Ser; replaces proline 323 with serine.
Molecular consequence: missense variant.
Genome position (GRCh38, 1-based): chr19:1,223,031, C>T. VCF-style: chr19-1223031-C-T. GRCh37 (hg19) VCF-style: chr19-1223030-C-T.
Other names: short protein forms P323S.
Identifiers: ClinVar variation 647808 (VCV000647808.10), dbSNP rs1599929342, ClinGen allele CA402951570.

ClinVar aggregate classification (germline): Uncertain significance. Review status: criteria provided, multiple submitters, no conflicts (2 of 4 stars). 3 submissions from 3 submitters: Uncertain significance (3). Last evaluated 2025-03-14.

Conditions:
Hereditary cancer-predisposing syndrome. Also called: Hereditary Cancer Syndrome; Tumor predisposition; Neoplastic Syndromes, Hereditary; Hereditary neoplastic syndrome. Identifiers: Orphanet 140162, MedGen C0027672, MeSH D009386, MONDO:0015356.
Peutz-Jeghers syndrome (PJS). Also called: POLYPOSIS, HAMARTOMATOUS INTESTINAL; POLYPS-AND-SPOTS SYNDROME; Peutz-Jeghers polyposis; Periorificial lentiginosis syndrome. Identifiers: Orphanet 2869, MedGen C0031269, MeSH D010580, MONDO:0008280, OMIM 175200.

Submissions (3):

Ambry Genetics
Classification: Uncertain significance for Hereditary cancer-predisposing syndrome. Last evaluated: 2025-03-14. Review status: criteria provided, single submitter. Criteria: Ambry Variant Classification Scheme 2023. Collection method: clinical testing. Allele origin: germline.
Comment: The p.P323S variant (also known as c.967C>T), located in coding exon 8 of the STK11 gene, results from a C to T substitution at nucleotide position 967. The proline at codon 323 is replaced by serine, an amino acid with similar properties. This amino acid position is conserved. In addition, the in silico prediction for this alteration is inconclusive. Based on the available evidence, the clinical significance of this variant remains unclear.

GeneDx
Classification: Uncertain significance. Last evaluated: 2022-06-20. Review status: criteria provided, single submitter. Criteria: GeneDx Variant Classification Process June 2021. Collection method: clinical testing. Allele origin: germline. Affected: yes.
Comment: Not observed at significant frequency in large population cohorts (gnomAD); In silico analysis supports that this missense variant has a deleterious effect on protein structure/function; Has not been previously published as pathogenic or benign to our knowledge; This variant is associated with the following publications: (PMID: 28900777)

Labcorp Genetics (formerly Invitae), Labcorp
Classification: Uncertain significance for Peutz-Jeghers syndrome. Last evaluated: 2018-11-16. Review status: criteria provided, single submitter. Criteria: Invitae Variant Classification Sherloc (09022015). Collection method: clinical testing. Allele origin: germline.
Comment: In summary, the available evidence is currently insufficient to determine the role of this variant in disease. Therefore, it has been classified as a Variant of Uncertain Significance. Algorithms developed to predict the effect of missense changes on protein structure and function are either unavailable or do not agree on the potential impact of this missense change (SIFT: "Tolerated"; PolyPhen-2: "Probably Damaging"; Align-GVGD: "Class C15"). This variant has not been reported in the literature in individuals with STK11-related disease. This variant is not present in population databases (ExAC no frequency). This sequence change replaces proline with serine at codon 323 of the STK11 protein (p.Pro323Ser). The proline residue is highly conserved and there is a moderate physicochemical difference between proline and serine.